The following is an entry in ClinVar:

NM_000038.6(APC):c.6819A>G (p.Gly2273=)

Gene: APC (APC regulator of Wnt signaling pathway; plus strand). Cytogenetic location: 5q22.2.
Variant type: single nucleotide variant.
Coding change: c.6819A>G on transcript NM_000038.6 (MANE Select); coding-DNA position 6819, A replaced by G.
Protein change: p.Gly2273=; no amino-acid change (glycine 2273 retained).
Molecular consequence: synonymous variant. On other transcripts: non-coding transcript variant (2).
Genome position (GRCh38, 1-based): chr5:112,842,413, A>G. VCF-style: chr5-112842413-A-G. GRCh37 (hg19) VCF-style: chr5-112178110-A-G.
Other names: c.6819A>G, p.Gly2273= (NM_001127510.3, NM_001354895.2, NM_001407450.1); c.6765A>G, p.Gly2255= (NM_001127511.3); c.6873A>G, p.Gly2291= (NM_001354896.2, NM_001407447.1, NM_001407448.1 and 1 more transcripts); c.6849A>G, p.Gly2283= (NM_001354897.2); c.6744A>G, p.Gly2248= (NM_001354898.2); c.6735A>G, p.Gly2245= (NM_001354899.2); c.6696A>G, p.Gly2232= (NM_001354900.2); c.6642A>G, p.Gly2214= (NM_001354901.2, NM_001407453.1); and 11 more.
Identifiers: ClinVar variation 1755596 (VCV001755596.3), dbSNP rs2149973987, ClinGen allele CA446210062.

ClinVar aggregate classification (germline): Benign/Likely benign. Review status: criteria provided, multiple submitters, no conflicts (2 of 4 stars). 2 submissions from 2 submitters: Benign (1); Likely benign (1). Last evaluated 2024-04-05.

Conditions:
Hereditary cancer-predisposing syndrome. Also called: Neoplastic Syndromes, Hereditary; Tumor predisposition; Hereditary Cancer Syndrome; Hereditary neoplastic syndrome. Identifiers: Orphanet 140162, MedGen C0027672, MeSH D009386, MONDO:0015356.
Familial adenomatous polyposis 1 (FAP1). Also called: FAMILIAL ADENOMATOUS POLYPOSIS 1, ATTENUATED; POLYPOSIS, ADENOMATOUS INTESTINAL. Identifiers: MedGen C2713442, MONDO:0021056, OMIM 175100. Disease mechanism: loss of function.

Submissions (2):

Myriad Genetics, Inc.
Classification: Benign for Familial adenomatous polyposis 1. Last evaluated: 2024-04-05. Review status: criteria provided, single submitter. Criteria: Myriad Autosomal Dominant, Autosomal Recessive and X-Linked Classification Criteria (2023). Collection method: clinical testing. Allele origin: unknown.
Comment: This variant is considered benign. This variant is a silent/synonymous amino acid change and it is not expected to impact splicing.

Ambry Genetics
Classification: Likely benign for Hereditary cancer-predisposing syndrome. Last evaluated: 2021-06-16. Review status: criteria provided, single submitter. Criteria: Ambry Variant Classification Scheme 2023. Collection method: clinical testing. Allele origin: germline.